The following is an entry in ClinVar:

ClinVar aggregate classification (germline): Pathogenic. Review status: criteria provided, multiple submitters, no conflicts (2 of 4 stars). 8 submissions from 8 submitters: Pathogenic (7). 1 of the submissions does not count toward it. Last evaluated 2026-02-25.

Conditions:
NF1-related disorder. Also called: NF1-related condition. Identifiers: MedGen CN379171.
Cardiovascular phenotype. Identifiers: MedGen CN230736.
Hereditary cancer-predisposing syndrome. Also called: Tumor predisposition; Hereditary neoplastic syndrome; Hereditary Cancer Syndrome; Neoplastic Syndromes, Hereditary. Identifiers: Orphanet 140162, MedGen C0027672, MeSH D009386, MONDO:0015356.
Cafe-au-lait spot. Also called: café-au-lait spots; Café au Lait; Café-au-lait spot. Identifiers: MedGen C0221263, HP:0000957.
Juvenile myelomonocytic leukemia (JMML). Also called: LEUKEMIA, JUVENILE MYELOMONOCYTIC, SOMATIC. Identifiers: Orphanet 86834, MedGen C0349639, MONDO:0011908, OMIM 607785, HP:0012209.
Neurofibromatosis, type 1 (NF1). Also called: NEUROFIBROMATOSIS, TYPE I, SOMATIC; Neurofibromatosis, type I; Peripheral type neurofibromatosis; VON RECKLINGHAUSEN DISEASE. Identifiers: Orphanet 636, MedGen C0027831, MONDO:0018975, OMIM 162200. Disease mechanism: loss of function.

Submissions (8):

PreventionGenetics, part of Exact Sciences
Classification: Pathogenic for NF1-related condition. Last evaluated: 2026-02-25. Review status: criteria provided, single submitter. Criteria: ACMG Guidelines, 2015. Collection method: clinical testing. Allele origin: germline.
Comment: The NF1 c.2970_2971delAA variant is predicted to result in a frameshift and premature protein termination (p.Met991Aspfs*29). This variant has been reported in multiple individuals with neurofibromatosis type 1 (Ars et al. 2003. PubMed ID: 12807981; Yao et al. 2019. PubMed ID: 31717729; Pros et al. 2008. PubMed ID: 18546366). This variant has not been reported in a large population database (gnomAD), indicating this variant is rare, and is interpreted as pathogenic in ClinVar (Variation ID: 663010). Frameshift variants in NF1 are expected to be pathogenic. This variant is interpreted as pathogenic.

Ambry Genetics
Classification: Pathogenic for Cardiovascular phenotype; Hereditary cancer-predisposing syndrome. Last evaluated: 2025-11-10. Review status: criteria provided, single submitter. Criteria: Ambry Variant Classification Scheme 2023. Collection method: clinical testing. Allele origin: germline.
Comment: The c.2970_2971delAA pathogenic mutation, located in coding exon 22 of the NF1 gene, results from a deletion of two nucleotides at nucleotide positions 2970 to 2971, causing a translational frameshift with a predicted alternate stop codon (p.M991Dfs*29). This variant was reported in individual(s) with features consistent with neurofibromatosis type 1 (Ars E et al. J. Med. Genet. 2003 Jun;40:e82; Duat Rodr&iacute;guez A et al. An. Pediatr. (Barc) 2015 Sep;83:173-82; Ambry internal data). This variant is considered to be rare based on population cohorts in the Genome Aggregation Database (gnomAD).This alteration is expected to result in loss of function by premature protein truncation or nonsense-mediated mRNA decay. As such, this alteration is interpreted as a disease-causing mutation.

Labcorp Genetics (formerly Invitae), Labcorp
Classification: Pathogenic for Neurofibromatosis, type 1. Last evaluated: 2025-05-18. Review status: criteria provided, single submitter. Criteria: Invitae Variant Classification Sherloc (09022015). Collection method: clinical testing. Allele origin: germline.
Comment: This sequence change creates a premature translational stop signal (p.Met991Aspfs*29) in the NF1 gene. It is expected to result in an absent or disrupted protein product. Loss-of-function variants in NF1 are known to be pathogenic (PMID: 10712197, 23913538). This variant is not present in population databases (gnomAD no frequency). This premature translational stop signal has been observed in individual(s) with clinical features of neurofibromatosis type 1 (PMID: 12807981, 18546366, 25541118, 31717729). Invitae Evidence Modeling of clinical and family history, age, sex, and reported ancestry of multiple individuals with this NF1 variant has been performed. This variant is expected to be pathogenic with a positive predictive value of at least 99%. This is a validated machine learning model that incorporates the clinical features of 1,785,918 individuals referred to our laboratory for NF1 testing. ClinVar contains an entry for this variant (Variation ID: 663010). For these reasons, this variant has been classified as Pathogenic.

Dasa
Classification: Pathogenic. Last evaluated: 2025-04-02. Review status: criteria provided, single submitter. Criteria: DASA Assertion Criteria. Collection method: clinical testing. Allele origin: germline.
Comment: NM_001042492.3(NF1):c.2970_2971del (p.Met991Aspfs*29) is a frameshift variant in NF1 predicted to alter the reading frame and introduce a premature termination codon and is predicted to result in an absent or altered protein product. Loss of function is an established disease mechanism for NF1 (PMID: 1757093; PMID: 1302608; PMID: 34427956). This variant has been reported in individuals with NF1-related disorders. Also, this variant is absent from population databases. Based on the currently available evidence, this variant is classified as pathogenic.

Blueprint Genetics
Classification: Pathogenic for NF1-related disorders. Last evaluated: 2024-05-08. Review status: criteria provided, single submitter. Criteria: ACMG Guidelines, 2015. Collection method: clinical testing. Allele origin: germline. Affected: yes. Observed: 2 variant alleles.

GeneDx
Classification: Pathogenic. Last evaluated: 2022-06-30. Review status: criteria provided, single submitter. Criteria: GeneDx Variant Classification Process June 2021. Collection method: clinical testing. Allele origin: germline. Affected: yes.
Comment: Frameshift variant predicted to result in protein truncation or nonsense mediated decay in a gene for which loss of function is a known mechanism of disease; Not observed at significant frequency in large population cohorts (gnomAD); This variant is associated with the following publications: (PMID: 32581362, 18546366, 12807981, 31717729)

Genome-Nilou Lab
Classification: Pathogenic for Neurofibromatosis, type 1. Last evaluated: 2022-03-15. Review status: criteria provided, single submitter. Criteria: ACMG Guidelines, 2015. Collection method: clinical testing. Allele origin: germline. Affected: no.

NIHR Bioresource Rare Diseases, University of Cambridge
Classification: Pathogenic for Cafe-au-lait spot; Juvenile myelomonocytic leukemia. Review status: no assertion criteria provided. Collection method: research. Allele origin: unknown. Affected: yes. Observed: 1 variant allele. Not counted in ClinVar's aggregate classification.

Literature cited by the submitters: PubMed 12807981 (cited by 3 submitters); PubMed 25541118 (cited by 3 submitters); PubMed 10712197 (cited by Labcorp Genetics (formerly Invitae), Labcorp); PubMed 23913538 (cited by Labcorp Genetics (formerly Invitae), Labcorp); PubMed 18546366 (cited by Labcorp Genetics (formerly Invitae), Labcorp and Dasa); PubMed 31717729 (cited by Labcorp Genetics (formerly Invitae), Labcorp and Dasa); PubMed 31066482 (cited by Dasa); PubMed 1757093 (cited by Dasa); PubMed 1302608 (cited by Dasa); PubMed 34427956 (cited by Dasa); PubMed 32581362 (cited by NIHR Bioresource Rare Diseases, University of Cambridge).

NM_001042492.3(NF1):c.2970_2971del (p.Met991fs)

Gene: NF1 (neurofibromin 1; plus strand). Cytogenetic location: 17q11.2.
Variant type: Deletion.
Coding change: c.2970_2971del on transcript NM_001042492.3 (MANE Select); coding-DNA positions 2970 to 2971, 2 bases deleted (AA; older notation c.2970_2971delAA).
Protein change: p.Met991fs; shifts the reading frame from methionine 991.
Molecular consequence: frameshift variant.
Genome position (GRCh38, 1-based): chr17:31,229,954-31,229,955, AA deleted. VCF-style (leftmost placement, unchanged base first): chr17-31229953-CAA-C. GRCh37 (hg19) VCF-style: chr17-29556971-CAA-C.
Other names: c.2970_2971delAA (NM_000267.3); c.2970_2971delAA, p.Met991Aspfs (NM_000267.4); short protein forms M991fs.
Identifiers: ClinVar variation 663010 (VCV000663010.19), dbSNP rs1597716432, ClinGen allele CA658761045.